The following is an entry in ClinVar:

NM_002109.6(HARS1):c.1009G>T (p.Glu337Ter)

Gene: HARS1 (histidyl-tRNA synthetase 1; minus strand). Cytogenetic location: 5q31.3.
Variant type: single nucleotide variant.
Coding change: c.1009G>T on transcript NM_002109.6 (MANE Select); coding-DNA position 1009, G replaced by T.
Protein change: p.Glu337Ter; replaces glutamic acid 337 with a stop codon.
Molecular consequence: nonsense.
Genome position (GRCh38, 1-based): chr5:140,676,839, C>A on the plus strand (G>T on the coding strand, the complement: HARS1 is on the minus strand). VCF-style: chr5-140676839-C-A. GRCh37 (hg19) VCF-style: chr5-140056424-C-A.
Other names: c.889G>T, p.Glu297Ter (NM_001258040.3); c.949G>T, p.Glu317Ter (NM_001258041.3); c.829G>T, p.Glu277Ter (NM_001258042.3); c.787G>T, p.Glu263Ter (NM_001289092.2); c.667G>T, p.Glu223Ter (NM_001289093.2); c.922G>T, p.Glu308Ter (NM_001289094.2); short protein forms E337*, E223*, E277*, E297*, E308*, E317*, E263*.
Identifiers: ClinVar variation 540196 (VCV000540196.6), dbSNP rs1370029240, ClinGen allele CA361251751.

ClinVar aggregate classification (germline): Uncertain significance (1 of 4 stars; one submission).

Conditions:
Usher syndrome type 3B. Also called: USHER SYNDROME, TYPE IIIB. Identifiers: MedGen C3281066, MONDO:0013788, OMIM 614504.

Allele frequency attached by ClinVar (database versions not stated): gnomAD exomes below 0.00001.

Submission:

Labcorp Genetics (formerly Invitae), Labcorp
Classification: Uncertain significance for Usher syndrome type 3B. Last evaluated: 2017-11-07. Review status: criteria provided, single submitter. Criteria: Invitae Variant Classification Sherloc (09022015). Collection method: clinical testing. Allele origin: germline.
Comment: This sequence change creates a premature translational stop signal (p.Glu337*) in the HARS gene. It is expected to result in an absent or disrupted protein product. In summary, the available evidence is currently insufficient to determine the role of this variant in disease. Therefore, it has been classified as a Variant of Uncertain Significance. This variant has not been reported in the literature in individuals with HARS-related disease. The current clinical and genetic evidence is not sufficient to establish whether loss-of-function variants in HARS cause disease. This variant is not present in population databases (ExAC no frequency).